The following is an entry in ClinVar:

ClinVar aggregate classification (germline): Pathogenic. Review status: criteria provided, multiple submitters, no conflicts (2 of 4 stars). 3 submissions from 3 submitters: Pathogenic (3). Last evaluated 2021-11-07.

Conditions:
Tuberous sclerosis 2 (TSC2). Identifiers: Orphanet 805, MedGen C1860707, MONDO:0013199, OMIM 613254.

Submissions (3):

Genome-Nilou Lab
Classification: Pathogenic for Tuberous sclerosis 2. Last evaluated: 2021-11-07. Review status: criteria provided, single submitter. Criteria: ACMG Guidelines, 2015. Collection method: clinical testing. Allele origin: germline. Affected: no.

Warsaw Genomics
Classification: Pathogenic for Tuberous sclerosis 2. Last evaluated: 2018-04-02. Review status: criteria provided, single submitter. Criteria: ACMG Guidelines, 2007. Collection method: clinical testing. Allele origin: de novo. Inheritance: Autosomal dominant inheritance. Affected: yes. Observed: 1 variant allele, 1 heterozygote.

GeneDx
Classification: Pathogenic. Last evaluated: 2016-02-05. Review status: criteria provided, single submitter. Criteria: GeneDx Variant Classification (06012015). Collection method: clinical testing. Allele origin: germline. Affected: yes.
Comment: The E399X nonsense variant in the TSC2 gene is predicted to cause loss of normal protein function either through protein truncation or nonsense-mediated mRNA decay. It was not observed in approximately 6,500 individuals of European and African American ancestry in the NHLBI Exome Sequencing Project, indicating it is not a common benign variant in these populations.

NM_000548.5(TSC2):c.1195G>T (p.Glu399Ter)

Gene: TSC2 (TSC complex subunit 2; plus strand). Cytogenetic location: 16p13.3.
Variant type: single nucleotide variant.
Coding change: c.1195G>T on transcript NM_000548.5 (MANE Select); coding-DNA position 1195, G replaced by T.
Protein change: p.Glu399Ter; replaces glutamic acid 399 with a stop codon.
Molecular consequence: nonsense.
Genome position (GRCh38, 1-based): chr16:2,061,946, G>T. VCF-style: chr16-2061946-G-T. GRCh37 (hg19) VCF-style: chr16-2111947-G-T.
Other names: c.1195G>T, p.Glu399Ter (NM_021055.3, NM_001077183.3, NM_001114382.3 and 3 more transcripts); c.1084G>T, p.Glu362Ter (NM_001318827.2); c.1048G>T, p.Glu350Ter (NM_001318829.2); c.595G>T, p.Glu199Ter (NM_001318831.2); c.1228G>T, p.Glu410Ter (NM_001318832.2); short protein forms E399*, E410*, E350*, E362*, E199*.
Identifiers: ClinVar variation 280323 (VCV000280323.6), dbSNP rs773920155, ClinGen allele CA10603287.